The following is an entry in ClinVar:

ClinVar aggregate classification (germline): Uncertain significance (1 of 4 stars; one submission).

Conditions:
Cardiovascular phenotype. Identifiers: MedGen CN230736.

Allele frequency attached by ClinVar (database versions not stated): ESP Exome Variant Server 0.00008.
gnomAD v4.1: 15 of 1,613,830 alleles (0.00093%); highest among the groups gnomAD compares: African/African-American, 0.0013%; no homozygotes.

Submission:

Ambry Genetics
Classification: Uncertain significance for Cardiovascular phenotype. Last evaluated: 2025-05-06. Review status: criteria provided, single submitter. Criteria: Ambry Variant Classification Scheme 2023. Collection method: clinical testing. Allele origin: germline.
Comment: The p.I159L variant (also known as c.475A>C), located in coding exon 6 of the CACNA2D1 gene, results from an A to C substitution at nucleotide position 475. The isoleucine at codon 159 is replaced by leucine, an amino acid with highly similar properties. This amino acid position is conserved. In addition, this alteration is predicted to be tolerated by in silico analysis. Since supporting evidence is limited at this time, the clinical significance of this alteration remains unclear.

NM_000722.4(CACNA2D1):c.475A>C (p.Ile159Leu)

Gene: CACNA2D1 (calcium voltage-gated channel auxiliary subunit alpha2delta 1; minus strand). Cytogenetic location: 7q21.11.
Variant type: single nucleotide variant.
Coding change: c.475A>C on transcript NM_000722.4 (MANE Select); coding-DNA position 475, A replaced by C.
Protein change: p.Ile159Leu; replaces isoleucine 159 with leucine.
Molecular consequence: missense variant.
Genome position (GRCh38, 1-based): chr7:82,117,095, T>G on the plus strand (A>C on the coding strand, the complement: CACNA2D1 is on the minus strand). VCF-style: chr7-82117095-T-G. GRCh37 (hg19) VCF-style: chr7-81746411-T-G.
Other names: c.475A>C, p.Ile159Leu (NM_001302890.2, NM_001366867.1); short protein forms I159L.
Identifiers: ClinVar variation 1742877 (VCV001742877.3), dbSNP rs187418422, ClinGen allele CA4318354.